The following is an entry in ClinVar:

ClinVar aggregate classification (germline): Likely pathogenic (1 of 4 stars; one submission).

Submission:

GeneDx
Classification: Likely pathogenic. Last evaluated: 2023-12-14. Review status: criteria provided, single submitter. Criteria: GeneDx Variant Classification Process June 2021. Collection method: clinical testing. Allele origin: germline. Affected: yes.
Comment: Nonsense variant predicted to result in protein truncation as the last 44 amino acids are lost, although loss-of-function variants have not been reported downstream of this position in the protein; Not observed at significant frequency in large population cohorts (gnomAD); Has not been previously published as pathogenic or benign to our knowledge; This variant is associated with the following publications: (PMID: 33847017)

NM_014844.5(TECPR2):c.4104G>A (p.Trp1368Ter)

Gene: TECPR2 (tectonin beta-propeller repeat containing 2; plus strand). Cytogenetic location: 14q32.31.
Variant type: single nucleotide variant.
Coding change: c.4104G>A on transcript NM_014844.5 (MANE Select); coding-DNA position 4104, G replaced by A.
Protein change: p.Trp1368Ter; replaces tryptophan 1368 with a stop codon.
Molecular consequence: nonsense.
Genome position (GRCh38, 1-based): chr14:102,498,125, G>A. VCF-style: chr14-102498125-G-A. GRCh37 (hg19) VCF-style: chr14-102964462-G-A.
Other names: short protein forms W1368*.
Identifiers: ClinVar variation 3342632 (VCV003342632.1).